The following is an entry in ClinVar:

NM_004183.4(BEST1):c.934G>A (p.Asp312Asn)

Gene: BEST1 (bestrophin 1; plus strand). Cytogenetic location: 11q12.3.
Variant type: single nucleotide variant.
Coding change: c.934G>A on transcript NM_004183.4 (MANE Select); coding-DNA position 934, G replaced by A.
Protein change: p.Asp312Asn; replaces aspartic acid 312 with asparagine.
Molecular consequence: missense variant. On other transcripts: synonymous variant (1), non-coding transcript variant (1), intron variant (1).
Genome position (GRCh38, 1-based): chr11:61,959,564, G>A. VCF-style: chr11-61959564-G-A. GRCh37 (hg19) VCF-style: chr11-61727036-G-A.
Other names: c.754G>A, p.Asp252Asn (NM_001139443.3, NM_001300787.2); c.616G>A, p.Asp206Asn (NM_001363591.3); c.1137G>A, p.Ser379= (NM_001363592.2); c.-39G>A (NM_001363593.3); c.688-328G>A (NM_001300786.2); short protein forms D312N, D206N, D252N.
Identifiers: ClinVar variation 99786 (VCV000099786.26), dbSNP rs281865277, ClinGen allele CA227859.

ClinVar aggregate classification (germline): Pathogenic/Likely pathogenic. Review status: criteria provided, multiple submitters, no conflicts (2 of 4 stars). 8 submissions from 8 submitters: Pathogenic (6); Likely pathogenic (1). 1 of the submissions does not count toward it. Last evaluated 2026-06-16.

Conditions:
BEST1-related disorder. Also called: BEST1-related condition; BEST1-related disorders. Identifiers: MedGen CN239200.
Retinal dystrophy. Also called: Inherited retinal dystrophy. Identifiers: Orphanet 71862, MedGen C0854723, MeSH D058499, MONDO:0019118, HP:0000556.

Allele frequency attached by ClinVar (database versions not stated): ExAC 0.00001; gnomAD 0.00001; TOPMed 0.00002; gnomAD exomes 0.00005 and 0.00007; ESP Exome Variant Server 0.00008.
gnomAD v4.1: 110 of 1,613,996 alleles (0.0068%); highest among the groups gnomAD compares: Non-Finnish European, 0.0088%; no homozygotes.

Submissions (8):

PreventionGenetics, part of Exact Sciences
Classification: Pathogenic for BEST1-related condition. Last evaluated: 2026-06-16. Review status: criteria provided, single submitter. Criteria: ACMG Guidelines, 2015. Collection method: clinical testing. Allele origin: germline.
Comment: The BEST1 c.934G>A variant is predicted to result in the amino acid substitution p.Asp312Asn. This variant has been reported in the heterozygous state in individuals with adult-onset vitelliform macular dystrophy (AVMD) or macular dystrophy/cone-cone-rod dystrophy (MD/CCRD, Krämer et al. 2000. PubMed ID: 10854112; Supplemental Table 1, Birtel et al. 2018. PubMed ID: 29555955; Shah et al. 2020. PubMed ID: 32239196), in the compound heterozygous state in an individual with Best vitelliform macular dystrophy (BVMD, Sodi et al. 2011. PubMed ID: 22162627), in the homozygous state or in combination with another BEST1 variant in individuals with autosomal recessive bestrophinopathy (ARB) or MD/CCRD (Boon et al. 2013. PubMed ID: 23290749; Supplemental Table 1, Birtel et al. 2018. PubMed ID: 29555955; Hufendiek et al. 2020. PubMed ID: 33302512), and has been noted to segregate with these disorders in families (Burgess et al. 2008. PubMed ID: 18179881; Hufendiek et al. 2020. PubMed ID: 33302512). Experimental studies demonstrate that this variant disrupts chloride channel function (Yu et al. 2007. PubMed ID: 17898294; Davidson et al. 2011. PubMed ID: 21330666; Johnson et al. 2014. PubMed ID: 24560797). The p.Asp312 amino acid is critical for proper function of the chloride channel (Bitan et al. 2025. PubMed ID: 40891781) and is considered part of the regional hotspot between amino acids 293-312 where many BEST1 variants are located (Beryozkin et al. 2024. PubMed ID: 38411968). Alternate missense variants at the same amino acid position (p.Asp312Glu, p.Asp312Tyr) have been reported in individuals with both autosomal dominant and autosomal recessive BEST1-related disorders (Piñeiro-Gallego et al 2011. PubMed ID: 21738390; Bitan et al. 2025. PubMed ID: 40891781) and one family with the p.Asp312Glu variant was noted to have homozygous individuals with features of BVMD whereas heterozygotes were unaffected or had atypical central foveal bilateral atrophy (Schatz et al. 2010. PubMed ID: 20375334; Piñeiro-Gallego et al 2011. PubMed ID: 21738390). The c.934G>A variant is reported in 0.0088% of alleles in individuals of European (non-Finnish) descent in gnomAD and is classified as likely pathogenic or pathogenic in ClinVar (Variation ID: 99786). This variant is interpreted as pathogenic for autosomal recessive BEST1-related disorders and likely pathogenic with reduced penetrance and variable expressivity for autosomal dominant BEST1-related disorders.

Labcorp Genetics (formerly Invitae), Labcorp
Classification: Pathogenic. Last evaluated: 2025-12-14. Review status: criteria provided, single submitter. Criteria: Invitae Variant Classification Sherloc (09022015). Collection method: clinical testing. Allele origin: germline.
Comment: This sequence change replaces aspartic acid, which is acidic and polar, with asparagine, which is neutral and polar, at codon 312 of the BEST1 protein (p.Asp312Asn). This variant is present in population databases (rs281865277, gnomAD 0.01%). This missense change has been observed in individuals with autosomal recessive bestrophinopathy (PMID: 18179881, 22162627, 23290749). It has also been observed to segregate with disease in related individuals. This variant has been reported in individual(s) with clinical features of autosomal dominant Best vitelliform macular dystrophy (PMID: 10854112, 29555955, 32239196); however, the role of the variant in this condition is currently unclear. ClinVar contains an entry for this variant (Variation ID: 99786). Invitae Evidence Modeling of protein sequence and biophysical properties (such as structural, functional, and spatial information, amino acid conservation, physicochemical variation, residue mobility, and thermodynamic stability) indicates that this missense variant is expected to disrupt BEST1 protein function with a positive predictive value of 95%. Experimental studies have shown that this missense change affects BEST1 function (PMID: 17898294, 21330666). For these reasons, this variant has been classified as Pathogenic.

CeGaT Center for Human Genetics Tuebingen
Classification: Pathogenic. Last evaluated: 2025-05-01. Review status: criteria provided, single submitter. Criteria: CeGaT Center For Human Genetics Tuebingen Variant Classification Criteria Version 2. Collection method: clinical testing. Allele origin: germline. Affected: yes. Observed: 5 variant alleles.
Comment: BEST1: PM3:Very Strong, PM1, PM2, PM5, PS3:Supporting

Blueprint Genetics
Classification: Pathogenic for BEST1-related disorders. Last evaluated: 2024-11-22. Review status: criteria provided, single submitter. Criteria: ACMG Guidelines, 2015. Collection method: clinical testing. Allele origin: germline. Affected: yes. Observed: 5 variant alleles.

Revvity Omics, Revvity
Classification: Likely pathogenic. Last evaluated: 2024-03-27. Review status: criteria provided, single submitter. Criteria: ACMG Guidelines, 2015. Collection method: clinical testing. Allele origin: germline.

Institute of Human Genetics, Univ. Regensburg, Univ. Regensburg
Classification: Pathogenic for Retinal dystrophy. Last evaluated: 2022-01-01. Review status: criteria provided, single submitter. Criteria: ACMG Guidelines, 2015. Collection method: clinical testing. Allele origin: germline. Affected: yes.

GeneDx
Classification: Pathogenic. Last evaluated: 2021-04-20. Review status: criteria provided, single submitter. Criteria: GeneDx Variant Classification Process June 2021. Collection method: clinical testing. Allele origin: germline. Affected: yes.
Comment: Published functional studies demonstrate a damaging effect; reduces chloride ion channel current and appears to inhibit wild-type function suggesting a possible dominant negative effect (Yu K et al., 2007; Johnson AA et al., 2014); In silico analysis supports that this missense variant has a deleterious effect on protein structure/function; This variant is associated with the following publications: (PMID: 19029375, 23290749, 24560797, 21330666, 19372599, 19375515, 27071392, 10854112, 28831140, 32239196, 18179881, 17898294, 22162627, 29555955)

Retina International
No classification provided. Review status: no classification provided. Collection method: not provided. Allele origin: not provided. Not counted in ClinVar's aggregate classification.

Literature cited by the submitters: PubMed 18179881 (cited by Labcorp Genetics (formerly Invitae), Labcorp); PubMed 22162627 (cited by Labcorp Genetics (formerly Invitae), Labcorp); PubMed 23290749 (cited by Labcorp Genetics (formerly Invitae), Labcorp and Institute of Human Genetics, Univ. Regensburg, Univ. Regensburg); PubMed 10854112 (cited by Labcorp Genetics (formerly Invitae), Labcorp and Institute of Human Genetics, Univ. Regensburg, Univ. Regensburg); PubMed 29555955 (cited by Labcorp Genetics (formerly Invitae), Labcorp and Institute of Human Genetics, Univ. Regensburg, Univ. Regensburg); PubMed 32239196 (cited by Labcorp Genetics (formerly Invitae), Labcorp and Institute of Human Genetics, Univ. Regensburg, Univ. Regensburg); PubMed 17898294 (cited by Labcorp Genetics (formerly Invitae), Labcorp and Institute of Human Genetics, Univ. Regensburg, Univ. Regensburg); PubMed 21330666 (cited by Labcorp Genetics (formerly Invitae), Labcorp and Institute of Human Genetics, Univ. Regensburg, Univ. Regensburg); PubMed 19372599 (cited by Institute of Human Genetics, Univ. Regensburg, Univ. Regensburg); PubMed 24560797 (cited by Institute of Human Genetics, Univ. Regensburg, Univ. Regensburg); PubMed 33302512 (cited by Institute of Human Genetics, Univ. Regensburg, Univ. Regensburg); PubMed 34327816 (cited by Institute of Human Genetics, Univ. Regensburg, Univ. Regensburg).